The following is an entry in ClinVar:

NM_001323289.2(CDKL5):c.551T>C (p.Leu184Pro)

Gene: CDKL5 (cyclin dependent kinase like 5; plus strand). Cytogenetic location: Xp22.13.
Variant type: single nucleotide variant.
Coding change: c.551T>C on transcript NM_001323289.2 (MANE Select); coding-DNA position 551, T replaced by C.
Protein change: p.Leu184Pro; replaces leucine 184 with proline.
Molecular consequence: missense variant.
Genome position (GRCh38, 1-based): chrX:18,584,350, T>C. VCF-style: chrX-18584350-T-C. GRCh37 (hg19) VCF-style: chrX-18602470-T-C.
Other names: c.551T>C, p.Leu184Pro (NM_001037343.2, NM_003159.3); short protein forms L184P.
Identifiers: ClinVar variation 4532178 (VCV004532178.1).
Genomic context (GRCh38, chrX:18,584,350, plus strand): 5'-ATAATGCTAATTACACAGAGTACGTTGCCACCAGATGGTATCGGTCCCCAGAACTCTTAC[T>C]TGGGTGAGTTACCGTCCCAAAATAGAATGACATTTCCACATCTGCTGATTCTATTGTCAT-3'
Protein context (NP_001310218.1, residues 174-194): TRWYRSPELL[Leu184Pro]GAPYGKSVDM

ClinVar aggregate classification (germline): Pathogenic (1 of 4 stars; one submission).

Conditions:
Developmental and epileptic encephalopathy, 2 (DEE2). Also called: INFANTILE SPASM SYNDROME, X-LINKED 2; CDKL5 deficiency disorder. Identifiers: Orphanet 1934, Orphanet 3451, Orphanet 505652, MedGen C4750718, MONDO:0010396, OMIM 300672.

Submission:

Victorian Clinical Genetics Services, Murdoch Childrens Research Institute
Classification: Pathogenic for Developmental and epileptic encephalopathy, 2. Last evaluated: 2025-09-24. Review status: criteria provided, single submitter. Criteria: ACMG Guidelines, 2015. Collection method: clinical testing. Allele origin: germline. Affected: yes.
Comment: This variant is classified as Pathogenic. Evidence in support of pathogenic classification: Variant is absent from gnomAD (v2, v3 and v4); Another missense variant comparable to the one identified in this case has limited previous evidence for pathogenicity. An alternative change, p.(Leu184His), has been reported as de novo in an affected individual in the literature (PMID: 38874638). - Variant is located in a hotspot region or cluster of PATHOGENIC variants. This variant is located in the N-terminus protein kinase domain where pathogenic missense cluster (DECIPHER). - Missense variant predicted to be damaging by in silico tool(s) or highly conserved with a major amino acid change; Additional information: Variant is predicted to result in a missense amino acid change from Leu to Pro; This variant is heterozygous; This gene is associated with X-linked dominant disease; This variant has no previous evidence of pathogenicity; No published evidence of segregation with disease has been identified for this variant; No published functional evidence has been identified for this variant; Loss of function is a known mechanism of disease in this gene and is associated with developmental and epileptic encephalopathy 2 (MIM#300672); Variants in this gene are known to have variable expressivity. Variable expressivity is reported to be dependent on the variant type and position, X-chromosome inactivation in females or post-zygotic mosaicism in males (PMID: 33989939).

Literature cited by the submitters: PubMed 33989939; PubMed 38874638.